The following is an entry in ClinVar:

ClinVar aggregate classification (germline): Uncertain significance (1 of 4 stars; one submission).

Allele frequency attached by ClinVar (database versions not stated): gnomAD exomes below 0.00001; TOPMed below 0.00001.
gnomAD v4.1: 2 of 1,613,854 alleles (0.00012%); no homozygotes.

Submission:

Labcorp Genetics (formerly Invitae), Labcorp
Classification: Uncertain significance. Last evaluated: 2020-01-23. Review status: criteria provided, single submitter. Criteria: Invitae Variant Classification Sherloc (09022015). Collection method: clinical testing. Allele origin: germline.
Comment: In summary, the available evidence is currently insufficient to determine the role of this variant in disease. Therefore, it has been classified as a Variant of Uncertain Significance. Algorithms developed to predict the effect of missense changes on protein structure and function are either unavailable or do not agree on the potential impact of this missense change (SIFT: "Deleterious"; PolyPhen-2: "Probably Damaging"; Align-GVGD: "Class C15"). This variant has not been reported in the literature in individuals with FLVCR1-related conditions. This variant is not present in population databases (ExAC no frequency). This sequence change replaces glutamine with histidine at codon 214 of the FLVCR1 protein (p.Gln214His). The glutamine residue is highly conserved and there is a small physicochemical difference between glutamine and histidine.

NM_014053.4(FLVCR1):c.642G>C (p.Gln214His)

Gene: FLVCR1 (FLVCR choline and heme transporter 1; plus strand). Cytogenetic location: 1q32.3.
Variant type: single nucleotide variant.
Coding change: c.642G>C on transcript NM_014053.4 (MANE Select); coding-DNA position 642, G replaced by C.
Protein change: p.Gln214His; replaces glutamine 214 with histidine.
Molecular consequence: missense variant.
Genome position (GRCh38, 1-based): chr1:212,859,094, G>C. VCF-style: chr1-212859094-G-C. GRCh37 (hg19) VCF-style: chr1-213032436-G-C.
Other names: short protein forms Q214H.
Identifiers: ClinVar variation 1055046 (VCV001055046.9), dbSNP rs1664135918, ClinGen allele CA344797323.
Genomic context (GRCh38, chr1:212,859,094, plus strand): 5'-TGTGCAGCAGCATCTCTTCTGGGTCACCATGTTGGGCCAGTGCTTGTGCTCGGTGGCCCA[G>C]GTGTTCATCCTGGGCTTGCCCTCCCGCATCGCCTCAGTGTGGTTTGGGCCCAAAGAGGTG-3'
Protein context (NP_054772.1, residues 204-224): MLGQCLCSVA[Gln214His]VFILGLPSRI